The following is an entry in ClinVar:

NM_000091.5(COL4A3):c.513C>T (p.Gly171=)

Genes: COL4A3 (collagen type IV alpha 3 chain; plus strand), MFF-DT (MFF divergent transcript; minus strand). Cytogenetic location: 2q36.3.
Variant type: single nucleotide variant.
Coding change: c.513C>T on transcript NM_000091.5 (MANE Select); coding-DNA position 513, C replaced by T.
Protein change: p.Gly171=; no amino-acid change (glycine 171 retained).
Molecular consequence: synonymous variant.
Genome position (GRCh38, 1-based): chr2:227,248,487, C>T. VCF-style: chr2-227248487-C-T. GRCh37 (hg19) VCF-style: chr2-228113203-C-T.
Identifiers: ClinVar variation 896196 (VCV000896196.13), dbSNP rs199514043, ClinGen allele CA2146180.

ClinVar aggregate classification (germline): Conflicting classifications of pathogenicity. Review status: criteria provided, conflicting classifications (1 of 4 stars). 5 submissions from 5 submitters: Uncertain significance (3); Likely benign (2). Last evaluated 2025-07-15.

Conditions:
Autosomal dominant Alport syndrome (ATS3A). Also called: ALPORT SYNDROME 3A, AUTOSOMAL DOMINANT; Alport syndrome dominant type; Renal failure and sensorineural hearing loss. Identifiers: Orphanet 63, Orphanet 88918, MedGen C5882663, MONDO:0007086, OMIM 104200.
Autosomal recessive Alport syndrome (ATS2). Also called: Alport syndrome type 2; ALPORT SYNDROME 2, AUTOSOMAL RECESSIVE; COL4A3-Related Nephropathy; COL4A4 Alport Syndrome and Thin Basement Membrane Nephropathy. Identifiers: Orphanet 63, Orphanet 88919, MedGen C4746745, MONDO:0008762, OMIM 203780.
Benign familial hematuria. Also called: thin basement membrane disease. Identifiers: MedGen C0241908, MONDO:0957317.
Alport syndrome. Also called: Hemorrhagic familial nephritis; Hemorrhagic hereditary nephritis; Congenital hereditary hematuria. Identifiers: Orphanet 63, MedGen C1567741, MONDO:0018965.

Allele frequency attached by ClinVar (database versions not stated): ESP Exome Variant Server 0.00017; 1000 Genomes Project 0.00020; 1000 Genomes Project 30x 0.00031; gnomAD exomes 0.00004 and 0.00006; gnomAD 0.00006 and 0.00008; ExAC 0.00007; TOPMed 0.00005.
gnomAD v4.1: 68 of 1,613,134 alleles (0.0042%); highest among the groups gnomAD compares: South Asian, 0.018%; no homozygotes.

Submissions (5):

GeneDx
Classification: Uncertain significance. Last evaluated: 2025-07-15. Review status: criteria provided, single submitter. Criteria: GeneDx Variant Classification Process June 2021. Collection method: clinical testing. Allele origin: germline. Affected: yes.
Comment: In silico analysis suggests this variant may impact gene splicing. In the absence of RNA/functional studies, the actual effect of this sequence change is unknown.; Has not been previously published as pathogenic or benign to our knowledge

Labcorp Genetics (formerly Invitae), Labcorp
Classification: Likely benign. Last evaluated: 2024-03-07. Review status: criteria provided, single submitter. Criteria: Invitae Variant Classification Sherloc (09022015). Collection method: clinical testing. Allele origin: germline.

Women's Health and Genetics/Laboratory Corporation of America, LabCorp
Classification: Likely benign. Last evaluated: 2023-02-11. Review status: criteria provided, single submitter. Criteria: LabCorp Variant Classification Summary - May 2015. Collection method: clinical testing. Allele origin: germline.

Fulgent Genetics
Classification: Uncertain significance for Autosomal dominant Alport syndrome; Hematuria, benign familial, 1; Autosomal recessive Alport syndrome. Last evaluated: 2022-02-17. Review status: criteria provided, single submitter. Criteria: ACMG Guidelines, 2015. Collection method: clinical testing. Allele origin: unknown.

Illumina Laboratory Services, Illumina
Classification: Uncertain significance for Alport syndrome. Last evaluated: 2018-01-13. Review status: criteria provided, single submitter. Criteria: ICSL Variant Classification Criteria 13 December 2019. Collection method: clinical testing. Allele origin: germline.